The following is an entry in ClinVar:

NM_000062.3(SERPING1):c.1328A>G (p.His443Arg)

Gene: SERPING1 (serpin family G member 1; plus strand). Cytogenetic location: 11q12.1.
Variant type: single nucleotide variant.
Coding change: c.1328A>G on transcript NM_000062.3 (MANE Select); coding-DNA position 1328, A replaced by G.
Protein change: p.His443Arg; replaces histidine 443 with arginine.
Molecular consequence: missense variant.
Genome position (GRCh38, 1-based): chr11:57,614,406, A>G. VCF-style: chr11-57614406-A-G. GRCh37 (hg19) VCF-style: chr11-57381879-A-G.
Other names: c.1328A>G, p.His443Arg (NM_001032295.2); short protein forms H443R.
Identifiers: ClinVar variation 3256133 (VCV003256133.2).

ClinVar aggregate classification (germline): Pathogenic (1 of 4 stars; one submission).

Conditions:
Hereditary angioedema type 1 (HAE1). Identifiers: Orphanet 100050, Orphanet 100051, Orphanet 91378, MedGen C2717906, MONDO:0015053, OMIM 106100.

Submission:

DNA-diagnostics Laboratory, Research Centre For Medical Genetics
Classification: Pathogenic for Hereditary angioedema type 1. Last evaluated: 2024-07-27. Review status: criteria provided, single submitter. Criteria: ACMG Guidelines, 2015. Collection method: research. Allele origin: germline. Inheritance: Autosomal dominant inheritance. Affected: yes. Observed: 4 variant alleles, 4 heterozygotes.
Comment: According to our observation and published information (Zuraw et al., 2000, Blanch et al., 2002), the c.1328A>G variant in SERPING1 meets ACMG/ClinGen SVI guidance criteria to be classified as pathogenic: PP4_Str, PM6, PS4_Mod, PP3_Mod, PM2_Sup, PP1

Literature cited by the submitters: PubMed 10719305; DOI 10.1002/humu.9073.